The following is an entry in ClinVar:

ClinVar aggregate classification (germline): Uncertain significance. Review status: criteria provided, multiple submitters, no conflicts (2 of 4 stars). 2 submissions from 2 submitters: Uncertain significance (2). Last evaluated 2023-08-17.

Conditions:
Cardiovascular phenotype. Identifiers: MedGen CN230736.
Long QT syndrome (LQTS). Identifiers: MedGen C0023976, MeSH D008133, MONDO:0002442. Disease mechanism: loss of function. Inheritance: Various modes of inheritance.

Allele frequency attached by ClinVar (database versions not stated): gnomAD exomes below 0.00001.
gnomAD v4.1: 5 of 1,613,486 alleles (0.00031%); highest among the groups gnomAD compares: Non-Finnish European, 0.00034%; no homozygotes.

Submissions (2):

Labcorp Genetics (formerly Invitae), Labcorp
Classification: Uncertain significance for Long QT syndrome. Last evaluated: 2023-08-17. Review status: criteria provided, single submitter. Criteria: Invitae Variant Classification Sherloc (09022015). Collection method: clinical testing. Allele origin: germline.
Comment: This sequence change replaces alanine, which is neutral and non-polar, with threonine, which is neutral and polar, at codon 589 of the ANK2 protein (p.Ala589Thr). This variant is present in population databases (no rsID available, gnomAD 0.0009%). This variant has not been reported in the literature in individuals affected with ANK2-related conditions. ClinVar contains an entry for this variant (Variation ID: 949228). Advanced modeling of protein sequence and biophysical properties (such as structural, functional, and spatial information, amino acid conservation, physicochemical variation, residue mobility, and thermodynamic stability) has been performed at Invitae for this missense variant, however the output from this modeling did not meet the statistical confidence thresholds required to predict the impact of this variant on ANK2 protein function. In summary, the available evidence is currently insufficient to determine the role of this variant in disease. Therefore, it has been classified as a Variant of Uncertain Significance.

Ambry Genetics
Classification: Uncertain significance for Cardiovascular phenotype. Last evaluated: 2018-10-23. Review status: criteria provided, single submitter. Criteria: Ambry Variant Classification Scheme 2023. Collection method: clinical testing. Allele origin: germline.
Comment: The p.A589T variant (also known as c.1765G>A), located in coding exon 16 of the ANK2 gene, results from a G to A substitution at nucleotide position 1765. The alanine at codon 589 is replaced by threonine, an amino acid with similar properties. This amino acid position is not well conserved in available vertebrate species. In addition, this alteration is predicted to be tolerated by in silico analysis. Since supporting evidence is limited at this time, the clinical significance of this alteration remains unclear.

NM_001148.6(ANK2):c.1765G>A (p.Ala589Thr)

Gene: ANK2 (ankyrin 2; plus strand). Cytogenetic location: 4q26.
Variant type: single nucleotide variant.
Coding change: c.1765G>A on transcript NM_001148.6 (MANE Select); coding-DNA position 1765, G replaced by A.
Protein change: p.Ala589Thr; replaces alanine 589 with threonine.
Molecular consequence: missense variant.
Genome position (GRCh38, 1-based): chr4:113,277,918, G>A. VCF-style: chr4-113277918-G-A. GRCh37 (hg19) VCF-style: chr4-114199074-G-A.
Other names: c.1702G>A, p.Ala568Thr (NM_001127493.3, NM_001354239.2, NM_001354243.2 and 14 more transcripts); c.1765G>A, p.Ala589Thr (NM_001354225.2, NM_001354228.2, NM_001354232.2 and 8 more transcripts); c.1810G>A, p.Ala604Thr (NM_001354230.2, NM_001354231.2, NM_001354237.2 and 5 more transcripts); c.1678G>A, p.Ala560Thr (NM_001354249.2, NM_001354260.2, NM_001354264.2 and 13 more transcripts); c.1723G>A, p.Ala575Thr (NM_001354261.2, NM_001386147.1, NM_001386160.1); c.1555G>A, p.Ala519Thr (NM_001354269.3); c.1567G>A, p.Ala523Thr (NM_001354273.2); c.1480G>A, p.Ala494Thr (NM_001354277.2, NM_001386157.1, NM_001386158.1); and 4 more; short protein forms A604T, A494T, A519T, A568T, A575T, A589T, A523T, A560T.
Identifiers: ClinVar variation 949228 (VCV000949228.8), dbSNP rs1288246947, ClinGen allele CA357911315.